The following is an entry in ClinVar:

ClinVar aggregate classification (germline): Benign. Review status: criteria provided, multiple submitters, no conflicts (2 of 4 stars). 3 submissions from 3 submitters: Benign (3). Last evaluated 2023-02-01.

Allele frequency attached by ClinVar (database versions not stated): ExAC 0.05405; gnomAD exomes 0.01595; gnomAD 0.02010.

Submissions (3):

Women's Health and Genetics/Laboratory Corporation of America, LabCorp
Classification: Benign. Last evaluated: 2023-02-01. Review status: criteria provided, single submitter. Criteria: LabCorp Variant Classification Summary - May 2015. Collection method: clinical testing. Allele origin: germline.
Comment: Variant summary: IKBKG c.1056-18C>T alters a non-conserved nucleotide located close to a canonical splice site and therefore could affect mRNA splicing, leading to a significantly altered protein sequence. 4/4 computational tools predict no significant impact on normal splicing. However, these predictions have yet to be confirmed by functional studies. The variant allele was found at a frequency of 0.016 in 46387 control chromosomes, predominantly at a frequency of 0.027 within the Non-Finnish European subpopulation in the gnomAD database. The observed variant frequency within Non-Finnish European control individuals in the gnomAD database is approximately 12 fold of the estimated maximal expected allele frequency for a pathogenic variant in IKBKG causing Hypohidrotic Ectodermal Dysplasia With Immunodeficiency phenotype (0.0022), strongly suggesting that the variant is a benign polymorphism found primarily in populations of Non-Finnish European origin. Two clinical diagnostic laboratories have submitted clinical-significance assessments for this variant to ClinVar after 2014 without evidence for independent evaluation. All laboratories classified the variant as benign. Based on the evidence outlined above, the variant was classified as benign.

ARUP Laboratories, Molecular Genetics and Genomics, ARUP Laboratories
Classification: Benign. Last evaluated: 2020-06-17. Review status: criteria provided, single submitter. Criteria: ARUP Molecular Germline Variant Investigation Process. Collection method: clinical testing. Allele origin: germline.

GeneDx
Classification: Benign. Last evaluated: 2015-03-03. Review status: criteria provided, single submitter. Criteria: GeneDx Variant Classification Process June 2021. Collection method: clinical testing. Allele origin: germline. Affected: yes.

NM_001099857.5(IKBKG):c.1056-18C>T

Gene: IKBKG (inhibitor of nuclear factor kappa B kinase regulatory subunit gamma; plus strand). Cytogenetic location: Xq28.
Variant type: single nucleotide variant.
Coding change: c.1056-18C>T on transcript NM_001099857.5 (MANE Select); 18 bases into the intron before coding-DNA position 1056, C replaced by T.
Molecular consequence: intron variant.
Genome position (GRCh38, 1-based): chrX:154,563,941, C>T. VCF-style: chrX-154563941-C-T. GRCh37 (hg19) VCF-style: chrX-153792156-C-T.
Other names: c.1056-18C>T (NM_001377312.1, NM_001321396.3, NM_003639.4); c.1053-18C>T (NM_001377313.1, NM_001321397.3); c.1260-18C>T (NM_001099856.6); c.759-18C>T (NM_001145255.4); c.900-18C>T (NM_001377314.1); c.687-18C>T (NM_001377315.1).
Identifiers: ClinVar variation 36378 (VCV000036378.14), dbSNP rs386134237, ClinGen allele CA214029.